The following is an entry in ClinVar:

NM_139058.3(ARX):c.1187dup (p.Gly397fs)

Gene: ARX (aristaless related homeobox; minus strand). Cytogenetic location: Xp21.3.
Variant type: Duplication.
Coding change: c.1187dup on transcript NM_139058.3 (MANE Select); coding-DNA position 1187, one base duplicated (C; older notation c.1187dupC).
Protein change: p.Gly397fs; shifts the reading frame from glycine 397.
Molecular consequence: frameshift variant.
Genome position (GRCh38, 1-based): chrX:25,007,372, G duplicated on the plus strand (C on the coding strand, the reverse complement: ARX is on the minus strand); the first of 6 consecutive G bases (chrX:25,007,372-25,007,377); duplicating any one gives the same sequence. VCF-style (leftmost placement, unchanged base first): chrX-25007371-A-AG. GRCh37 (hg19) VCF-style: chrX-25025488-A-AG.
Other names: c.1187dupC (NM_139058.2); short protein forms G397fs.
Identifiers: ClinVar variation 11194 (VCV000011194.11), dbSNP rs1328291159, ClinGen allele CA658682663.
Genomic context (GRCh38, chrX:25,007,371, plus strand): 5'-GGCGTCCAGGTAGGGGCTGAGCGGGTGGGTGGCGGAGAGCGGCCCCGGGAAGGGCAGCCC[A>AG]GGGGGGTGGGTCTGCGCGCCTGCCTTCTCCCGCTTGCGCCACTTGGCCCGACGGTTCTGG-3'

ClinVar aggregate classification (germline): Pathogenic/Likely pathogenic. Review status: criteria provided, multiple submitters, no conflicts (2 of 4 stars). 3 submissions from 3 submitters: Pathogenic (1); Likely pathogenic (1). 1 of the submissions does not count toward it. Last evaluated 2020-09-11.

Conditions:
Developmental and epileptic encephalopathy, 1 (DEE1). Also called: INFANTILE SPASM SYNDROME, X-LINKED 1; X-linked infantile spasms; West's syndrome; Tonic spasms with clustering, arrest of psychomotor development and hypsarrhythmia on EEG; X-Linked Infantile Spasm Syndrome; OHTAHARA SYNDROME, X-LINKED. Identifiers: MedGen C3463992, MONDO:0010632, OMIM 308350. Disease mechanism: loss of function.
Intellectual disability, X-linked, with or without seizures, ARX-related. Also called: MENTAL RETARDATION, X-LINKED 29; MENTAL RETARDATION, X-LINKED 32; MENTAL RETARDATION, X-LINKED 33; MENTAL RETARDATION, X-LINKED 38; MENTAL RETARDATION, X-LINKED 43; MENTAL RETARDATION, X-LINKED 76. Identifiers: Orphanet 777, MedGen C0796244, MONDO:0010317, OMIM 300419.
X-linked lissencephaly with abnormal genitalia. Identifiers: Orphanet 452, MedGen C1846171, MONDO:0010268, OMIM 300215.

Submissions (3):

Labcorp Genetics (formerly Invitae), Labcorp
Classification: Pathogenic for Developmental and epileptic encephalopathy, 1; Intellectual disability, X-linked, with or without seizures, ARX-related. Last evaluated: 2020-09-11. Review status: criteria provided, single submitter. Criteria: Invitae Variant Classification Sherloc (09022015). Collection method: clinical testing. Allele origin: germline.
Comment: This variant has been observed in individual(s) with X-linked lissencephaly with ambiguous genitalia (PMID: 12379852). ClinVar contains an entry for this variant (Variation ID: 11194). The frequency data for this variant in the population databases is considered unreliable, as metrics indicate insufficient coverage at this position in the ExAC database. This sequence change results in a premature translational stop signal in the ARX gene (p.Gly397Trpfs*135). While this is not anticipated to result in nonsense mediated decay, it is expected to disrupt the last 166 amino acids of the ARX protein. This variant disrupts the C-terminus of the ARX protein. Other variant(s) that disrupt this region (p.Arg527*) have been determined to be pathogenic (Invitae). This suggests that variants that disrupt this region of the protein are likely to be causative of disease. For these reasons, this variant has been classified as Pathogenic.

Women's Health and Genetics/Laboratory Corporation of America, LabCorp
Classification: Likely pathogenic for Mental retardation, with or without seizures, ARX-related, X-linked. Last evaluated: 2019-04-30. Review status: criteria provided, single submitter. Criteria: LabCorp Variant Classification Summary - May 2015. Collection method: clinical testing. Allele origin: germline.
Comment: Variant summary: ARX c.1187dupC (p.Gly397TrpfsX135) results in a premature termination codon, predicted to cause a truncation of the encoded protein or absence of the protein due to nonsense mediated decay, which are commonly known mechanisms for disease. Truncations downstream of this position have been reported in patients affected with severe forms of ARX-Related Disorders (Friocourt 2010 and HGMD). The variant was absent in 89997 control chromosomes (gnomAD). Although several reports of affected females, heterozygous for severe mutations in ARX have been published, the mother of the reported proband, who also carried the variant of interest, showed no brain developmental abnormalities or seizures (Marsh 2009); authors suggested that this could be explained by skewed X chromosome inactivation. To our knowledge, no experimental evidence demonstrating an impact on protein function has been reported. No clinical diagnostic laboratories have submitted clinical-significance assessments for this variant to ClinVar after 2014. Based on the evidence outlined above, the variant was classified as likely pathogenic.

OMIM
Classification: Pathogenic for LISSENCEPHALY, X-LINKED, 2. Last evaluated: 2002-11-01. Review status: no assertion criteria provided. Collection method: literature only. Allele origin: germline. Not counted in ClinVar's aggregate classification.

Literature cited by the submitters: PubMed 12379852 (cited by 3 submitters); PubMed 20300201 (cited by Women's Health and Genetics/Laboratory Corporation of America, LabCorp); PubMed 19439424 (cited by Women's Health and Genetics/Laboratory Corporation of America, LabCorp).